The following is an entry in ClinVar:

ClinVar aggregate classification (germline): Uncertain significance. Review status: criteria provided, multiple submitters, no conflicts (2 of 4 stars). 2 submissions from 2 submitters: Uncertain significance (2). Last evaluated 2024-01-02.

Conditions:
Primary ciliary dyskinesia. Also called: Ciliary dyskinesia. Identifiers: Orphanet 244, MedGen C0008780, MONDO:0016575, HP:0012265.
Primary ciliary dyskinesia 13. Also called: CILIARY DYSKINESIA, PRIMARY, 13, WITH OR WITHOUT SITUS INVERSUS. Identifiers: Orphanet 244, MedGen C2750790, MONDO:0013174, OMIM 613193.

Allele frequency attached by ClinVar (database versions not stated): TOPMed 0.00003; gnomAD 0.00004; ExAC 0.00009.
gnomAD v4.1: 45 of 1,613,622 alleles (0.0028%); highest among the groups gnomAD compares: Middle Eastern, 0.017%; no homozygotes.

Submissions (2):

Labcorp Genetics (formerly Invitae), Labcorp
Classification: Uncertain significance for Primary ciliary dyskinesia. Last evaluated: 2024-01-02. Review status: criteria provided, single submitter. Criteria: Invitae Variant Classification Sherloc (09022015). Collection method: clinical testing. Allele origin: germline.
Comment: This sequence change replaces proline, which is neutral and non-polar, with leucine, which is neutral and non-polar, at codon 256 of the DNAAF1 protein (p.Pro256Leu). This variant is present in population databases (rs764943936, gnomAD 0.03%). This variant has not been reported in the literature in individuals affected with DNAAF1-related conditions. ClinVar contains an entry for this variant (Variation ID: 887619). An algorithm developed to predict the effect of missense changes on protein structure and function (PolyPhen-2) suggests that this variant is likely to be disruptive. In summary, the available evidence is currently insufficient to determine the role of this variant in disease. Therefore, it has been classified as a Variant of Uncertain Significance.

Illumina Laboratory Services, Illumina
Classification: Uncertain significance for Primary ciliary dyskinesia 13. Last evaluated: 2018-01-13. Review status: criteria provided, single submitter. Criteria: ICSL Variant Classification Criteria 13 December 2019. Collection method: clinical testing. Allele origin: germline.

NM_178452.6(DNAAF1):c.767C>T (p.Pro256Leu)

Gene: DNAAF1 (dynein axonemal assembly factor 1; plus strand). Cytogenetic location: 16q24.1.
Variant type: single nucleotide variant.
Coding change: c.767C>T on transcript NM_178452.6 (MANE Select); coding-DNA position 767, C replaced by T.
Protein change: p.Pro256Leu; replaces proline 256 with leucine.
Molecular consequence: missense variant.
Genome position (GRCh38, 1-based): chr16:84,159,700, C>T. VCF-style: chr16-84159700-C-T. GRCh37 (hg19) VCF-style: chr16-84193305-C-T.
Other names: c.11C>T, p.Pro4Leu (NM_001318756.1); short protein forms P4L, P256L.
Identifiers: ClinVar variation 887619 (VCV000887619.5), dbSNP rs764943936, ClinGen allele CA8202623.
Genomic context (GRCh38, chr16:84,159,700, plus strand): 5'-CAGTAATCATTTTGGTTCTGCTTGTCTTCTTGCAGCGTGTACTGAATTTGATGGGAAACC[C>T]GGTTATCAGACAGATTCCTAATTACAGAAGGACAGTCACTGTACGACTAAAGCACTTAAC-3'
Protein context (NP_848547.4, residues 246-266): DLRVLNLMGN[Pro256Leu]VIRQIPNYRR